The following is an entry in ClinVar:

NM_002485.5(NBN):c.1845+5G>A

Gene: NBN (nibrin; minus strand). Cytogenetic location: 8q21.3.
Variant type: single nucleotide variant.
Coding change: c.1845+5G>A on transcript NM_002485.5 (MANE Select); 5 bases into the intron after coding-DNA position 1845, G replaced by A.
Molecular consequence: intron variant.
Genome position (GRCh38, 1-based): chr8:89,953,239, C>T on the plus strand (G>A on the coding strand, the complement: NBN is on the minus strand). VCF-style: chr8-89953239-C-T. GRCh37 (hg19) VCF-style: chr8-90965467-C-T.
Other names: c.1599+5G>A (NM_001024688.3).
Identifiers: ClinVar variation 2854976 (VCV002854976.3), dbSNP rs2488228380, ClinGen allele CA2687854429.

ClinVar aggregate classification (germline): Uncertain significance (1 of 4 stars; one submission).

Conditions:
Microcephaly, normal intelligence and immunodeficiency (NBS). Also called: IMMUNODEFICIENCY, MICROCEPHALY, AND CHROMOSOMAL INSTABILITY; SEEMANOVA SYNDROME II; BERLIN BREAKAGE SYNDROME; Nijmegen breakage syndrome; Microcephaly with normal intelligence immunodeficiency and lymphoreticular malignancies; Nonsyndromal microcephaly autosomal recessive with normal intelligence. Identifiers: Orphanet 647, MedGen C0398791, MONDO:0009623, OMIM 251260.

gnomAD v4.1: 1 of 1,580,128 alleles (0.000063%); no homozygotes.

Submission:

Labcorp Genetics (formerly Invitae), Labcorp
Classification: Uncertain significance for Microcephaly, normal intelligence and immunodeficiency. Last evaluated: 2023-04-11. Review status: criteria provided, single submitter. Criteria: Invitae Variant Classification Sherloc (09022015). Collection method: clinical testing. Allele origin: germline.
Comment: In summary, the available evidence is currently insufficient to determine the role of this variant in disease. Therefore, it has been classified as a Variant of Uncertain Significance. Variants that disrupt the consensus splice site are a relatively common cause of aberrant splicing (PMID: 17576681, 9536098). Studies have shown that this variant is associated with altered splicing resulting in unknown protein product impact (Invitae). This variant has not been reported in the literature in individuals affected with NBN-related conditions. This variant is not present in population databases (gnomAD no frequency). This sequence change falls in intron 11 of the NBN gene. It does not directly change the encoded amino acid sequence of the NBN protein. It affects a nucleotide within the consensus splice site.

Literature cited by the submitters: PubMed 17576681; PubMed 9536098.